The following is an entry in ClinVar:

ClinVar aggregate classification (germline): Uncertain significance (1 of 4 stars; one submission).

Conditions:
Developmental and epileptic encephalopathy, 12 (DEE12). Identifiers: MedGen C3150988, MONDO:0013389, OMIM 613722.

Allele frequency attached by ClinVar (database versions not stated): gnomAD 0.00001; gnomAD exomes 0.00001; ExAC 0.00002; 1000 Genomes Project 0.00020; 1000 Genomes Project 30x 0.00031.
gnomAD v4.1: 1 of 1,611,308 alleles (0.000062%); highest among the groups gnomAD compares: African/African-American, 0.0013%; no homozygotes.

Submission:

Labcorp Genetics (formerly Invitae), Labcorp
Classification: Uncertain significance for Developmental and epileptic encephalopathy, 12. Last evaluated: 2019-06-25. Review status: criteria provided, single submitter. Criteria: Invitae Variant Classification Sherloc (09022015). Collection method: clinical testing. Allele origin: germline.
Comment: In summary, the available evidence is currently insufficient to determine the role of this variant in disease. Therefore, it has been classified as a Variant of Uncertain Significance. Algorithms developed to predict the effect of sequence changes on RNA splicing suggest that this variant may disrupt the consensus splice site, but this prediction has not been confirmed by published transcriptional studies. This variant has not been reported in the literature in individuals with PNKP-related conditions. This variant is present in population databases (rs545573584, ExAC 0.02%). This sequence change falls in intron 4 of the PNKP gene. It does not directly change the encoded amino acid sequence of the PNKP protein.

NM_007254.4(PNKP):c.499-4C>G

Gene: PNKP (polynucleotide kinase 3'-phosphatase; minus strand). Cytogenetic location: 19q13.33.
Variant type: single nucleotide variant.
Coding change: c.499-4C>G on transcript NM_007254.4 (MANE Select); 4 bases into the intron before coding-DNA position 499, C replaced by G.
Molecular consequence: intron variant.
Genome position (GRCh38, 1-based): chr19:49,864,407, G>C on the plus strand (C>G on the coding strand, the complement: PNKP is on the minus strand). VCF-style: chr19-49864407-G-C. GRCh37 (hg19) VCF-style: chr19-50367664-G-C.
Identifiers: ClinVar variation 952545 (VCV000952545.10), dbSNP rs545573584, ClinGen allele CA9586919.